The following is an entry in ClinVar:

NM_003640.5(ELP1):c.2822_2826del (p.Lys941fs)

Gene: ELP1 (elongator acetyltransferase complex subunit 1; minus strand). Cytogenetic location: 9q31.3.
Variant type: Deletion.
Coding change: c.2822_2826del on transcript NM_003640.5 (MANE Select); coding-DNA positions 2822 to 2826, 5 bases deleted (AACGA; older notation c.2822_2826delAACGA).
Protein change: p.Lys941fs; shifts the reading frame from lysine 941.
Molecular consequence: frameshift variant.
Genome position (GRCh38, 1-based): chr9:108,893,977-108,893,981, TCGTT deleted on the plus strand (AACGA on the coding strand, the reverse complement: ELP1 is on the minus strand); deleting any 5 consecutive bases within chr9:108,893,977-108,893,983 gives the same sequence; the c. name uses the placement nearest the transcript's 3' end. VCF-style (leftmost placement, unchanged base first): chr9-108893976-ATCGTT-A. GRCh37 (hg19) VCF-style: chr9-111656256-ATCGTT-A.
Other names: c.2480_2484del, p.Lys827fs (NM_001318360.2); c.1775_1779del, p.Lys592fs (NM_001330749.2); short protein forms K592fs, K827fs, K941fs.
Identifiers: ClinVar variation 5013618 (VCV005013618.1).

ClinVar aggregate classification (germline): Pathogenic (1 of 4 stars; one submission).

Conditions:
Familial dysautonomia. Also called: HSAN III; FD. Identifiers: Orphanet 1764, MedGen C0013364, MONDO:0009131, OMIM 223900. Disease mechanism: loss of function.

Submission:

Myriad Genetics, Inc.
Classification: Pathogenic for Familial dysautonomia. Last evaluated: 2024-10-05. Review status: criteria provided, single submitter. Criteria: Myriad Autosomal Dominant, Autosomal Recessive and X-Linked Classification Criteria (2023). Collection method: clinical testing. Allele origin: unknown.
Comment: NM_003640.3(ELP1):c.2822_2826del5(K941Ifs*2) is expected to be pathogenic in the context of familial dysautonomia. This variant is predicted to lead to an abnormal or absent protein product due to the creation of a premature termination codon in ELP1, a gene where loss-of-function variants are known to be pathogenic. Please note: this variant was assessed in the context of healthy population screening.